The following is an entry in ClinVar:

ClinVar aggregate classification (germline): Uncertain significance (1 of 4 stars; one submission).

Conditions:
HARS2-related disorder. Also called: HARS2-related condition.

Submission:

PreventionGenetics, part of Exact Sciences
Classification: Uncertain significance for HARS2-related condition. Last evaluated: 2026-03-24. Review status: criteria provided, single submitter. Criteria: ACMG Guidelines, 2015. Collection method: clinical testing. Allele origin: germline.
Comment: The HARS2 c.725_726dupTA variant is predicted to result in premature protein termination (p.Asp243*). To our knowledge, this variant has not been reported in the literature. This variant is reported in 0.0018% of alleles in individuals of European (Non-Finnish) descent in gnomAD. At this time, the clinical significance of this variant is uncertain due to the absence of conclusive functional and genetic evidence.

NM_012208.4(HARS2):c.725_726dup (p.Asp243Ter)

Gene: HARS2 (histidyl-tRNA synthetase 2, mitochondrial; plus strand). Cytogenetic location: 5q31.3.
Variant type: Duplication.
Coding change: c.725_726dup on transcript NM_012208.4 (MANE Select); coding-DNA positions 725 to 726, 2 bases duplicated (TA; older notation c.725_726dupTA).
Protein change: p.Asp243Ter; replaces aspartic acid 243 with a stop codon.
Molecular consequence: nonsense.
Genome position (GRCh38, 1-based): chr5:140,696,194-140,696,195, TA duplicated. VCF-style (leftmost placement, unchanged base first): chr5-140696193-C-CTA. GRCh37 (hg19) VCF-style: chr5-140075778-C-CTA.
Other names: c.650_651dup, p.Asp218Ter (NM_001278731.2); c.293_294dup, p.Asp99Ter (NM_001278732.2); c.743_744dup, p.Asp249Ter (NM_001363535.2); c.515_516dup, p.Asp173Ter (NM_001363536.2); short protein forms D99*, D243*, D173*, D218*, D249*.
Identifiers: ClinVar variation 4984513 (VCV004984513.1).